The following is an entry in ClinVar:

NM_000051.4(ATM):c.7639A>G (p.Arg2547Gly)

Genes: ATM (ATM serine/threonine kinase; plus strand), C11orf65 (chromosome 11 open reading frame 65; minus strand). Cytogenetic location: 11q22.3.
Variant type: single nucleotide variant.
Coding change: c.7639A>G on transcript NM_000051.4 (MANE Select); coding-DNA position 7639, A replaced by G.
Protein change: p.Arg2547Gly; replaces arginine 2547 with glycine.
Molecular consequence: missense variant. On other transcripts: intron variant (2).
Genome position (GRCh38, 1-based): chr11:108,331,888, A>G. VCF-style: chr11-108331888-A-G. GRCh37 (hg19) VCF-style: chr11-108202615-A-G.
Other names: c.7639A>G, p.Arg2547Gly (NM_001351834.2); c.641-22817T>C (NM_001330368.2); c.*38+3332T>C (NM_001351110.2); short protein forms R2547G.
Identifiers: ClinVar variation 567773 (VCV000567773.10), dbSNP rs1565533544, ClinGen allele CA382560903.

ClinVar aggregate classification (germline): Uncertain significance. Review status: criteria provided, multiple submitters, no conflicts (2 of 4 stars). 2 submissions from 2 submitters: Uncertain significance (2). Last evaluated 2025-08-19.

Conditions:
Hereditary cancer-predisposing syndrome. Also called: Hereditary Cancer Syndrome; Neoplastic Syndromes, Hereditary; Tumor predisposition; Hereditary neoplastic syndrome. Identifiers: Orphanet 140162, MedGen C0027672, MeSH D009386, MONDO:0015356.
Ataxia-telangiectasia syndrome (AT). Also called: Cerebello-oculocutaneous telangiectasia; Immunodeficiency with ataxia telangiectasia; Ataxia-telangiectasia, complementation group E; Ataxia-telangiectasia, complementation group D; AT, COMPLEMENTATION GROUP C; ATAXIA-TELANGIECTASIA, COMPLEMENTATION GROUP A. Identifiers: Orphanet 100, MedGen C0004135, MONDO:0008840, OMIM 208900.

Allele frequency attached by ClinVar (database versions not stated): gnomAD exomes below 0.00001.
gnomAD v4.1: 1 of 1,613,452 alleles (0.000062%); highest among the groups gnomAD compares: Non-Finnish European, 0.000085%; no homozygotes.

Submissions (2):

Ambry Genetics
Classification: Uncertain significance for Hereditary cancer-predisposing syndrome. Last evaluated: 2025-08-19. Review status: criteria provided, single submitter. Criteria: Ambry Variant Classification Scheme 2023. Collection method: clinical testing. Allele origin: germline.
Comment: The p.R2547G variant (also known as c.7639A>G), located in coding exon 51 of the ATM gene, results from an A to G substitution at nucleotide position 7639. The arginine at codon 2547 is replaced by glycine, an amino acid with dissimilar properties. This amino acid position is conserved. In addition, the in silico prediction for this alteration is inconclusive. Based on the available evidence, the clinical significance of this variant remains unclear.

Labcorp Genetics (formerly Invitae), Labcorp
Classification: Uncertain significance for Ataxia-telangiectasia syndrome. Last evaluated: 2018-06-20. Review status: criteria provided, single submitter. Criteria: Invitae Variant Classification Sherloc (09022015). Collection method: clinical testing. Allele origin: germline.
Comment: In summary, the available evidence is currently insufficient to determine the role of this variant in disease. Therefore, it has been classified as a Variant of Uncertain Significance. This variant is not present in population databases (ExAC no frequency). This sequence change replaces arginine with glycine at codon 2547 of the ATM protein (p.Arg2547Gly). The arginine residue is highly conserved and there is a moderate physicochemical difference between arginine and glycine. This variant has not been reported in the literature in individuals with ATM-related disease. Algorithms developed to predict the effect of missense changes on protein structure and function (SIFT, PolyPhen-2, Align-GVGD) all suggest that this variant is likely to be disruptive, but these predictions have not been confirmed by published functional studies and their clinical significance is uncertain.